The following is an entry in ClinVar:

ClinVar aggregate classification (germline): Uncertain significance. Review status: criteria provided, multiple submitters, no conflicts (2 of 4 stars). 2 submissions from 2 submitters: Uncertain significance (2). Last evaluated 2022-02-08.

Conditions:
Spastic paraplegia. Identifiers: MedGen C0037772, HP:0001258.

Allele frequency attached by ClinVar (database versions not stated): TOPMed 0.00002; gnomAD 0.00001.
gnomAD v4.1: 7 of 1,471,446 alleles (0.00048%); highest among the groups gnomAD compares: African/African-American, 0.003%; no homozygotes.

Submissions (2):

Labcorp Genetics (formerly Invitae), Labcorp
Classification: Uncertain significance for Spastic paraplegia. Last evaluated: 2022-02-08. Review status: criteria provided, single submitter. Criteria: Invitae Variant Classification Sherloc (09022015). Collection method: clinical testing. Allele origin: germline.
Comment: This sequence change replaces glycine, which is neutral and non-polar, with glutamic acid, which is acidic and polar, at codon 3 of the CYP7B1 protein (p.Gly3Glu). The frequency data for this variant in the population databases is considered unreliable, as metrics indicate poor data quality at this position in the gnomAD database. This variant has not been reported in the literature in individuals affected with CYP7B1-related conditions. ClinVar contains an entry for this variant (Variation ID: 596565). Algorithms developed to predict the effect of missense changes on protein structure and function output the following: SIFT: "Tolerated"; PolyPhen-2: "Benign"; Align-GVGD: "Class C0". The glutamic acid amino acid residue is found in multiple mammalian species, which suggests that this missense change does not adversely affect protein function. In summary, the available evidence is currently insufficient to determine the role of this variant in disease. Therefore, it has been classified as a Variant of Uncertain Significance.

Eurofins Ntd Llc (ga)
Classification: Uncertain significance. Last evaluated: 2018-03-19. Review status: criteria provided, single submitter. Criteria: EGL ClinVar v180209 classification definitions. Collection method: clinical testing. Allele origin: germline. Observed: 1 variant allele, 1 heterozygote.

NM_004820.5(CYP7B1):c.8G>A (p.Gly3Glu)

Genes: CYP7B1 (cytochrome P450 family 7 subfamily B member 1; minus strand), LOC130000507 (ATAC-STARR-seq lymphoblastoid silent region 19243; plus strand). Cytogenetic location: 8q12.3.
Variant type: single nucleotide variant.
Coding change: c.8G>A on transcript NM_004820.5 (MANE Select); coding-DNA position 8, G replaced by A.
Protein change: p.Gly3Glu; replaces glycine 3 with glutamic acid.
Molecular consequence: missense variant.
Genome position (GRCh38, 1-based): chr8:64,798,580, C>T on the plus strand (G>A on the coding strand, the complement: CYP7B1 is on the minus strand). VCF-style: chr8-64798580-C-T. GRCh37 (hg19) VCF-style: chr8-65711137-C-T.
Other names: c.8G>A, p.Gly3Glu (NM_001324112.2); short protein forms G3E.
Identifiers: ClinVar variation 596565 (VCV000596565.6), dbSNP rs1052965378, ClinGen allele CA179061884.